The following is an entry in ClinVar:

ClinVar aggregate classification (germline): Uncertain significance (1 of 4 stars; one submission).

Submission:

Labcorp Genetics (formerly Invitae), Labcorp
Classification: Uncertain significance. Last evaluated: 2022-11-04. Review status: criteria provided, single submitter. Criteria: Invitae Variant Classification Sherloc (09022015). Collection method: clinical testing. Allele origin: germline.
Comment: In summary, the available evidence is currently insufficient to determine the role of this variant in disease. Therefore, it has been classified as a Variant of Uncertain Significance. Advanced modeling of protein sequence and biophysical properties (such as structural, functional, and spatial information, amino acid conservation, physicochemical variation, residue mobility, and thermodynamic stability) performed at Invitae indicates that this missense variant is not expected to disrupt POLE protein function. This variant has not been reported in the literature in individuals affected with POLE-related conditions. This variant is not present in population databases (gnomAD no frequency). This sequence change replaces alanine, which is neutral and non-polar, with valine, which is neutral and non-polar, at codon 2043 of the POLE protein (p.Ala2043Val).

NM_006231.4(POLE):c.6128C>T (p.Ala2043Val)

Gene: POLE (DNA polymerase epsilon, catalytic subunit; minus strand). Cytogenetic location: 12q24.33.
Variant type: single nucleotide variant.
Coding change: c.6128C>T on transcript NM_006231.4 (MANE Select); coding-DNA position 6128, C replaced by T.
Protein change: p.Ala2043Val; replaces alanine 2043 with valine.
Molecular consequence: missense variant.
Genome position (GRCh38, 1-based): chr12:132,632,672, G>A on the plus strand (C>T on the coding strand, the complement: POLE is on the minus strand). VCF-style: chr12-132632672-G-A. GRCh37 (hg19) VCF-style: chr12-133209258-G-A.
Other names: short protein forms A2043V.
Identifiers: ClinVar variation 2008575 (VCV002008575.4), dbSNP rs2138463452, ClinGen allele CA387370232.